The following is an entry in ClinVar:

NM_001903.5(CTNNA1):c.1634T>C (p.Ile545Thr)

Gene: CTNNA1 (catenin alpha 1; plus strand). Cytogenetic location: 5q31.2.
Variant type: single nucleotide variant.
Coding change: c.1634T>C on transcript NM_001903.5 (MANE Select); coding-DNA position 1634, T replaced by C.
Protein change: p.Ile545Thr; replaces isoleucine 545 with threonine.
Molecular consequence: missense variant.
Genome position (GRCh38, 1-based): chr5:138,924,597, T>C. VCF-style: chr5-138924597-T-C. GRCh37 (hg19) VCF-style: chr5-138260286-T-C.
Other names: c.1634T>C, p.Ile545Thr (NM_001290307.3, NM_001323982.2, NM_001323983.1 and 2 more transcripts); c.1325T>C, p.Ile442Thr (NM_001290309.3); c.1265T>C, p.Ile422Thr (NM_001290310.3); c.524T>C, p.Ile175Thr (NM_001290312.1, NM_001323987.1, NM_001323988.1 and 17 more transcripts); c.1541T>C, p.Ile514Thr (NM_001323986.2); c.185T>C, p.Ile62Thr (NM_001324006.1, NM_001324007.1, NM_001324008.1 and 2 more transcripts); c.431T>C, p.Ile144Thr (NM_001324011.1); c.281T>C, p.Ile94Thr (NM_001324012.1, NM_001324013.1); short protein forms I144T, I175T, I422T, I442T, I514T, I545T, I62T, I94T.
Identifiers: ClinVar variation 1006791 (VCV001006791.12), dbSNP rs1763609491, ClinGen allele CA361131866.

ClinVar aggregate classification (germline): Uncertain significance. Review status: criteria provided, multiple submitters, no conflicts (2 of 4 stars). 2 submissions from 2 submitters: Uncertain significance (2). Last evaluated 2025-08-24.

Conditions:
Hereditary cancer-predisposing syndrome. Also called: Hereditary neoplastic syndrome; Neoplastic Syndromes, Hereditary; Tumor predisposition; Hereditary Cancer Syndrome. Identifiers: Orphanet 140162, MedGen C0027672, MeSH D009386, MONDO:0015356.

Submissions (2):

Ambry Genetics
Classification: Uncertain significance for Hereditary cancer-predisposing syndrome. Last evaluated: 2025-08-24. Review status: criteria provided, single submitter. Criteria: Ambry Variant Classification Scheme 2023. Collection method: clinical testing. Allele origin: germline.
Comment: The p.I545T variant (also known as c.1634T>C), located in coding exon 11 of the CTNNA1 gene, results from a T to C substitution at nucleotide position 1634. The isoleucine at codon 545 is replaced by threonine, an amino acid with similar properties. This amino acid position is conserved. In addition, this alteration is predicted to be deleterious by in silico analysis. Since supporting evidence is limited at this time, the clinical significance of this alteration remains unclear.

Labcorp Genetics (formerly Invitae), Labcorp
Classification: Uncertain significance. Last evaluated: 2020-08-19. Review status: criteria provided, single submitter. Criteria: Invitae Variant Classification Sherloc (09022015). Collection method: clinical testing. Allele origin: germline.
Comment: In summary, the available evidence is currently insufficient to determine the role of this variant in disease. Therefore, it has been classified as a Variant of Uncertain Significance. Algorithms developed to predict the effect of missense changes on protein structure and function are either unavailable or do not agree on the potential impact of this missense change (SIFT: "Deleterious"; PolyPhen-2: "Probably Damaging"; Align-GVGD: "Class C0"). This variant has not been reported in the literature in individuals with CTNNA1-related conditions. This variant is not present in population databases (ExAC no frequency). This sequence change replaces isoleucine with threonine at codon 545 of the CTNNA1 protein (p.Ile545Thr). The isoleucine residue is highly conserved and there is a moderate physicochemical difference between isoleucine and threonine.